The following is an entry in ClinVar:

NM_001365951.3(KIF1B):c.445A>G (p.Ile149Val)

Gene: KIF1B (kinesin family member 1B; plus strand). Cytogenetic location: 1p36.22.
Variant type: single nucleotide variant.
Coding change: c.445A>G on transcript NM_001365951.3 (MANE Select); coding-DNA position 445, A replaced by G.
Protein change: p.Ile149Val; replaces isoleucine 149 with valine.
Molecular consequence: missense variant.
Genome position (GRCh38, 1-based): chr1:10,267,395, A>G. VCF-style: chr1-10267395-A-G. GRCh37 (hg19) VCF-style: chr1-10327453-A-G.
Other names: c.445A>G, p.Ile149Val (NM_001365952.1, NM_001365953.1, NM_015074.3 and 1 more transcripts); short protein forms I149V.
Identifiers: ClinVar variation 1333979 (VCV001333979.9), dbSNP rs1051917954, ClinGen allele CA17836357.
Genomic context (GRCh38, chr1:10,267,395, plus strand): 5'-GTGATTTCTTTTTCACTCTAATTCACTTTACTAATTTGTTCATAGGTGAGCTACATGGAA[A>G]TTTACTGTGAAAGAGTACGAGATTTGCTGAATCCAAAAAACAAGGGTAATTTGCGTGTGC-3'
Protein context (NP_001352880.1, residues 139-159): SYSVEVSYME[Ile149Val]YCERVRDLLN

ClinVar aggregate classification (germline): Uncertain significance. Review status: criteria provided, multiple submitters, no conflicts (2 of 4 stars). 3 submissions from 3 submitters: Uncertain significance (3). Last evaluated 2025-06-28.

Conditions:
Charcot-Marie-Tooth disease type 2. Also called: Charcot-Marie-Tooth type 2. Identifiers: Orphanet 64746, MedGen C0270914, MONDO:0018993.
Pheochromocytoma. Also called: MAX-Related Hereditary Paraganglioma-Pheochromocytoma Syndrome. Identifiers: Orphanet 29072, MedGen C0031511, MONDO:0008233, OMIM 171300, HP:0002666.

Allele frequency attached by ClinVar (database versions not stated): gnomAD exomes 0.00001 and below 0.00001; gnomAD 0.00001; TOPMed below 0.00001.
gnomAD v4.1: 10 of 1,614,024 alleles (0.00062%); highest among the groups gnomAD compares: Non-Finnish European, 0.00085%; no homozygotes.

Submissions (3):

Ambry Genetics
Classification: Uncertain significance. Last evaluated: 2025-06-28. Review status: criteria provided, single submitter. Criteria: Ambry Variant Classification Scheme 2023. Collection method: clinical testing. Allele origin: germline.
Comment: The p.I149V variant (also known as c.445A>G), located in coding exon 5 of the KIF1B gene, results from an A to G substitution at nucleotide position 445. The isoleucine at codon 149 is replaced by valine, an amino acid with highly similar properties. This amino acid position is highly conserved in available vertebrate species. In addition, this alteration is predicted to be deleterious by in silico analysis. Since supporting evidence is limited at this time, the clinical significance of this alteration remains unclear.

Labcorp Genetics (formerly Invitae), Labcorp
Classification: Uncertain significance for Charcot-Marie-Tooth disease type 2. Last evaluated: 2023-04-25. Review status: criteria provided, single submitter. Criteria: Invitae Variant Classification Sherloc (09022015). Collection method: clinical testing. Allele origin: germline.
Comment: This sequence change replaces isoleucine, which is neutral and non-polar, with valine, which is neutral and non-polar, at codon 149 of the KIF1B protein (p.Ile149Val). This variant is present in population databases (no rsID available, gnomAD 0.0009%). This variant has not been reported in the literature in individuals affected with KIF1B-related conditions. ClinVar contains an entry for this variant (Variation ID: 1333979). Advanced modeling of protein sequence and biophysical properties (such as structural, functional, and spatial information, amino acid conservation, physicochemical variation, residue mobility, and thermodynamic stability) performed at Invitae indicates that this missense variant is expected to disrupt KIF1B protein function. In summary, the available evidence is currently insufficient to determine the role of this variant in disease. Therefore, it has been classified as a Variant of Uncertain Significance.

CENTOGENE GmbH and LLC - Guiding Precision Medicine
Classification: Uncertain significance for Pheochromocytoma. Last evaluated: 2019-03-28. Review status: criteria provided, single submitter. Criteria: ACMG Guidelines, 2015. Collection method: clinical testing. Allele origin: germline. Affected: yes.